The following is an entry in ClinVar:

NM_001271043.2(NFIX):c.1104delG

Gene: NFIX (nuclear factor I X; plus strand). Cytogenetic location: 19p13.13.
Variant type: Deletion.
Coding change: c.1104delG on transcript NM_001271043.2; coding-DNA position 1104, one base deleted (G).
Molecular consequence: splice acceptor variant.
Genome position (GRCh38, 1-based): chr19:13,081,681, G deleted; the last of 3 consecutive G bases (chr19:13,081,679-13,081,681); deleting any one gives the same sequence. VCF-style (leftmost placement, unchanged base first): chr19-13081678-AG-A. GRCh37 (hg19) VCF-style: chr19-13192492-AG-A.
Identifiers: ClinVar variation 426620 (VCV000426620.4), dbSNP rs1085307714, ClinGen allele CA645294119.
Genomic context (GRCh38, chr19:13,081,678, plus strand): 5'-TCCCTCCCACTGGCTGCCTCCTTGGCCCTGACGCCCTTTTTTCCCTGCCCACGTGCATGC[AG>A]GGAGCCCCCGGGCCACAGCATCAGCCCTGCACTTCCCCTCCACGTCCATCATCCAGCAGT-3'

ClinVar aggregate classification (germline): Pathogenic (1 of 4 stars; one submission).

Submission:

GeneDx
Classification: Pathogenic. Last evaluated: 2017-04-11. Review status: criteria provided, single submitter. Criteria: GeneDx Variant Classification (06012015). Collection method: clinical testing. Allele origin: germline. Affected: yes.
Comment: The c.1080delG pathogenic variant in the NFIX gene causes a frameshift starting with codon Ser361, changes this amino acid to an Alanine residue and creates a premature Stop codon at position 40 of the new reading frame, denoted p.Ser361AlafsX40. This pathogenic variant is predicted to cause loss of normal protein function either through protein truncation or nonsense-mediated mRNA decay.